The following is an entry in ClinVar:

NM_001015880.2(PAPSS2):c.1414G>A (p.Glu472Lys)

Gene: PAPSS2 (3'-phosphoadenosine 5'-phosphosulfate synthase 2; plus strand). Cytogenetic location: 10q23.31.
Variant type: single nucleotide variant.
Coding change: c.1414G>A on transcript NM_001015880.2 (MANE Select); coding-DNA position 1414, G replaced by A.
Protein change: p.Glu472Lys; replaces glutamic acid 472 with lysine.
Molecular consequence: missense variant.
Genome position (GRCh38, 1-based): chr10:87,743,564, G>A. VCF-style: chr10-87743564-G-A. GRCh37 (hg19) VCF-style: chr10-89503321-G-A.
Other names: c.1399G>A (NM_004670.3); c.1399G>A, p.Glu467Lys (NM_004670.4); short protein forms E467K, E472K.
Identifiers: ClinVar variation 1403475 (VCV001403475.8), dbSNP rs149151415, ClinGen allele CA5589746.

ClinVar aggregate classification (germline): Uncertain significance. Review status: criteria provided, multiple submitters, no conflicts (2 of 4 stars). 2 submissions from 2 submitters: Uncertain significance (2). Last evaluated 2025-04-05.

Conditions:
Spondyloepimetaphyseal dysplasia, PAPSS2 type. Also called: SEMD, PAKISTANI TYPE; BRACHYOLMIA TYPE 4 WITH MILD EPIPHYSEAL AND METAPHYSEAL CHANGES; SPONDYLODYSPLASIA AND PREMATURE PUBARCHE. Identifiers: Orphanet 93282, MedGen C2748516, MONDO:0019666, OMIM 612847.
Inborn genetic diseases. Identifiers: MedGen C0950123, MeSH D030342.

Allele frequency attached by ClinVar (database versions not stated): gnomAD exomes 0.00008 and 0.00015; TOPMed 0.00008; gnomAD 0.00009; ExAC 0.00010; ESP Exome Variant Server 0.00015.
gnomAD v4.1: 233 of 1,614,040 alleles (0.014%); highest among the groups gnomAD compares: Non-Finnish European, 0.019%; no homozygotes.

Submissions (2):

Ambry Genetics
Classification: Uncertain significance for Inborn genetic diseases. Last evaluated: 2025-04-05. Review status: criteria provided, single submitter. Criteria: Ambry Variant Classification Scheme 2023. Collection method: clinical testing. Allele origin: germline.

Labcorp Genetics (formerly Invitae), Labcorp
Classification: Uncertain significance for Spondyloepimetaphyseal dysplasia, PAPSS2 type. Last evaluated: 2024-05-22. Review status: criteria provided, single submitter. Criteria: Invitae Variant Classification Sherloc (09022015). Collection method: clinical testing. Allele origin: germline.
Comment: This sequence change replaces glutamic acid, which is acidic and polar, with lysine, which is basic and polar, at codon 472 of the PAPSS2 protein (p.Glu472Lys). This variant is present in population databases (rs149151415, gnomAD 0.02%). This variant has not been reported in the literature in individuals affected with PAPSS2-related conditions. ClinVar contains an entry for this variant (Variation ID: 1403475). An algorithm developed to predict the effect of missense changes on protein structure and function (PolyPhen-2) suggests that this variant is likely to be tolerated. In summary, the available evidence is currently insufficient to determine the role of this variant in disease. Therefore, it has been classified as a Variant of Uncertain Significance.